The following is an entry in ClinVar:

NM_000231.3(SGCG):c.128T>A (p.Leu43Ter)

Gene: SGCG (sarcoglycan gamma; plus strand). Cytogenetic location: 13q12.12.
Variant type: single nucleotide variant.
Coding change: c.128T>A on transcript NM_000231.3 (MANE Select); coding-DNA position 128, T replaced by A.
Protein change: p.Leu43Ter; replaces leucine 43 with a stop codon.
Molecular consequence: nonsense.
Genome position (GRCh38, 1-based): chr13:23,203,822, T>A. VCF-style: chr13-23203822-T-A. GRCh37 (hg19) VCF-style: chr13-23777961-T-A.
Other names: c.182T>A, p.Leu61Ter (NM_001378244.1); c.128T>A, p.Leu43Ter (NM_001378245.1, NM_001378246.1); short protein forms L43*, L61*.
Identifiers: ClinVar variation 1173091 (VCV001173091.10), dbSNP rs2137501447, ClinGen allele CA387502649.

ClinVar aggregate classification (germline): Pathogenic. Review status: criteria provided, multiple submitters, no conflicts (2 of 4 stars). 2 submissions from 2 submitters: Pathogenic (2). Last evaluated 2024-11-27.

Conditions:
Autosomal recessive limb-girdle muscular dystrophy type 2C (LGMDR5). Also called: MUSCULAR DYSTROPHY, DUCHENNE-LIKE; MUSCULAR DYSTROPHY, LIMB-GIRDLE, AUTOSOMAL RECESSIVE 5. Identifiers: Orphanet 353, MedGen C0410173, MONDO:0009677, OMIM 253700. Disease mechanism: Affects gamma-sarcoglycan and also disrupts the integrity of the entire sarcoglycan complex..

Allele frequency attached by ClinVar (database versions not stated): gnomAD exomes below 0.00001.
gnomAD v4.1: 1 of 1,614,156 alleles (0.000062%); highest among the groups gnomAD compares: South Asian, 0.0011%; no homozygotes.

Submissions (2):

Labcorp Genetics (formerly Invitae), Labcorp
Classification: Pathogenic for Autosomal recessive limb-girdle muscular dystrophy type 2C. Last evaluated: 2024-11-27. Review status: criteria provided, single submitter. Criteria: Invitae Variant Classification Sherloc (09022015). Collection method: clinical testing. Allele origin: germline.
Comment: This sequence change creates a premature translational stop signal (p.Leu43*) in the SGCG gene. It is expected to result in an absent or disrupted protein product. Loss-of-function variants in SGCG are known to be pathogenic (PMID: 18285821). This variant is not present in population databases (gnomAD no frequency). This premature translational stop signal has been observed in individual(s) with SGCG-related conditions (PMID: 12746421). ClinVar contains an entry for this variant (Variation ID: 1173091). For these reasons, this variant has been classified as Pathogenic.

Diagnostics Services (NGS), CSIR - Centre For Cellular And Molecular Biology
Classification: Pathogenic for Autosomal recessive limb-girdle muscular dystrophy type 2C. Last evaluated: 2021-02-08. Review status: criteria provided, single submitter. Criteria: ACMG Guidelines, 2015. Collection method: clinical testing. Allele origin: germline. Inheritance: Autosomal recessive inheritance. Affected: yes. Observed: 1 variant allele, 1 homozygote.
Comment: The c.128T>A variant is not present in publicly available population databases like 1000 Genomes, Exome Variant Server, Exome Aggregation Consortium and Genome Aggregation Database. The variant is absent from Indian Exome Database [Kausthubham et al. Hum Mutat, 2021] and in our in-house exome database. The variant was earlier reported earlier to Human Genome Mutation Database (HGMD ID: CM031361) in similarly affected individuals [Boito et al. J Med Genet, 2003]. In-silico pathogenicity prediction programs like MutationTaster2, CADD, Varsome etc. predicted this variant to be likely deleterious. The variant has been calssified as pathogenic as per ACMG guidelines.

Literature cited by the submitters: PubMed 18285821 (cited by Labcorp Genetics (formerly Invitae), Labcorp); PubMed 12746421 (cited by Labcorp Genetics (formerly Invitae), Labcorp).